The following is an entry in ClinVar:

NM_206933.4(USH2A):c.13256del (p.Phe4419fs)

Gene: USH2A (usherin; minus strand). Cytogenetic location: 1q41.
Variant type: Deletion.
Coding change: c.13256del on transcript NM_206933.4 (MANE Select); coding-DNA position 13256, one base deleted (T; older notation c.13256delT).
Protein change: p.Phe4419fs; shifts the reading frame from phenylalanine 4419.
Molecular consequence: frameshift variant.
Genome position (GRCh38, 1-based): chr1:215,674,655, A deleted on the plus strand (T on the coding strand, the reverse complement: USH2A is on the minus strand); the first of 2 consecutive A bases (chr1:215,674,655-215,674,656); deleting either gives the same sequence. VCF-style (leftmost placement, unchanged base first): chr1-215674654-GA-G. GRCh37 (hg19) VCF-style: chr1-215847996-GA-G.
Other names: short protein forms F4419fs.
Identifiers: ClinVar variation 2822740 (VCV002822740.3), dbSNP rs2464896233, ClinGen allele CA2739275675.
Genomic context (GRCh38, chr1:215,674,654, plus strand): 5'-TGTCCAGGCAGATTTTGACACACTAGCTGTGCAACCTCCATTCGTGCAGGCTACAAGGGA[GA>G]AGTTATACTGAGAGTAAGGCTGCAGGTGGGAAACCAGCAGGCACAGGCCCTGGCCAGCAA-3'

ClinVar aggregate classification (germline): Pathogenic (1 of 4 stars; one submission).

Submission:

Labcorp Genetics (formerly Invitae), Labcorp
Classification: Pathogenic. Last evaluated: 2022-12-20. Review status: criteria provided, single submitter. Criteria: Invitae Variant Classification Sherloc (09022015). Collection method: clinical testing. Allele origin: germline.
Comment: This sequence change creates a premature translational stop signal (p.Phe4419Serfs*4) in the USH2A gene. It is expected to result in an absent or disrupted protein product. Loss-of-function variants in USH2A are known to be pathogenic (PMID: 10729113, 10909849, 20507924, 25649381). This variant is not present in population databases (gnomAD no frequency). This variant has not been reported in the literature in individuals affected with USH2A-related conditions. For these reasons, this variant has been classified as Pathogenic.

Literature cited by the submitters: PubMed 10729113; PubMed 10909849; PubMed 20507924; PubMed 25649381.